The following is an entry in ClinVar:

ClinVar aggregate classification (germline): Uncertain significance (1 of 4 stars; one submission).

Conditions:
Chuvash polycythemia. Also called: POLYCYTHEMIA, VHL-DEPENDENT. Identifiers: Orphanet 238557, MedGen C1837915, MONDO:0009892, OMIM 263400.
Von Hippel-Lindau syndrome (VHLS). Also called: von Hippel–Lindau syndrome; VHL syndrome; Von Hippel-Lindau. Identifiers: Orphanet 892, MedGen C0019562, MONDO:0008667, OMIM 193300. Disease mechanism: loss of function.

Allele frequency attached by ClinVar (database versions not stated): TOPMed below 0.00001.

Submission:

Labcorp Genetics (formerly Invitae), Labcorp
Classification: Uncertain significance for Von Hippel-Lindau syndrome; Chuvash polycythemia. Last evaluated: 2025-12-23. Review status: criteria provided, single submitter. Criteria: Invitae Variant Classification Sherloc (09022015). Collection method: clinical testing. Allele origin: germline.
Comment: This variant occurs in a non-coding region of the VHL gene. It does not change the encoded amino acid sequence of the VHL protein. This variant is not present in population databases (gnomAD no frequency). This variant has not been reported in the literature in individuals affected with VHL-related conditions. ClinVar contains an entry for this variant (Variation ID: 2927689). Experimental studies and prediction algorithms are not available or were not evaluated, and the functional significance of this variant is currently unknown. In summary, the available evidence is currently insufficient to determine the role of this variant in disease. Therefore, it has been classified as a Variant of Uncertain Significance.

NM_000551.4(VHL):c.-44G>A

Gene: VHL (von Hippel-Lindau tumor suppressor; plus strand). Cytogenetic location: 3p25.3.
Variant type: single nucleotide variant.
Coding change: c.-44G>A on transcript NM_000551.4 (MANE Select); 44 bases upstream of the start codon, G replaced by A.
Molecular consequence: 5 prime UTR variant. On other transcripts: non-coding transcript variant (1).
Genome position (GRCh38, 1-based): chr3:10,141,804, G>A. VCF-style: chr3-10141804-G-A. GRCh37 (hg19) VCF-style: chr3-10183488-G-A.
Other names: c.-44G>A (NM_001354723.2, NM_198156.3).
Identifiers: ClinVar variation 2927689 (VCV002927689.3), dbSNP rs929301467, ClinGen allele CA1345064561.
Genomic context (GRCh38, chr3:10,141,804, plus strand): 5'-CGAAGACTACGGAGGTCGACTCGGGAGCGCGCACGCAGCTCCGCCCCGCGTCCGACCCGC[G>A]GATCCCGCGGCGTCCGGCCCGGGTGGTCTGGATCGCGGAGGGAATGCCCCGGAGGGCGGA-3'